The following is an entry in ClinVar:

NM_006514.4(SCN10A):c.3439C>T (p.Arg1147Cys)

Genes: SCN10A (sodium voltage-gated channel alpha subunit 10; minus strand), LOC110121288 (VISTA enhancer hs2268; plus strand). Cytogenetic location: 3p22.2.
Variant type: single nucleotide variant.
Coding change: c.3439C>T on transcript NM_006514.4 (MANE Select); coding-DNA position 3439, C replaced by T.
Protein change: p.Arg1147Cys; replaces arginine 1147 with cysteine.
Molecular consequence: missense variant.
Genome position (GRCh38, 1-based): chr3:38,722,326, G>A on the plus strand (C>T on the coding strand, the complement: SCN10A is on the minus strand). VCF-style: chr3-38722326-G-A. GRCh37 (hg19) VCF-style: chr3-38763817-G-A.
Other names: c.3436C>T, p.Arg1146Cys (NM_001293306.2); c.3145C>T, p.Arg1049Cys (NM_001293307.2); short protein forms R1049C, R1147C, R1146C.
Identifiers: ClinVar variation 1507997 (VCV001507997.12), dbSNP rs373470651, ClinGen allele CA2320235.

ClinVar aggregate classification (germline): Uncertain significance. Review status: criteria provided, multiple submitters, no conflicts (2 of 4 stars). 4 submissions from 4 submitters: Uncertain significance (4). Last evaluated 2026-01-26.

Conditions:
Cardiovascular phenotype. Identifiers: MedGen CN230736.
Brugada syndrome. Also called: Sudden unexpected nocturnal death syndrome; Sudden unexplained nocturnal death syndrome; Sudden Unexplained Death Syndrome; Sudden Unexplained Nocturnal Death Syndrome (SUNDS). Identifiers: Orphanet 130, MedGen C1142166, MONDO:0015263.

Allele frequency attached by ClinVar (database versions not stated): gnomAD exomes 0.00002 and 0.00008; ExAC 0.00003; gnomAD 0.00006 and 0.00007; TOPMed 0.00006; ESP Exome Variant Server 0.00008.
gnomAD v4.1: 123 of 1,613,864 alleles (0.0076%); highest among the groups gnomAD compares: South Asian, 0.013%; no homozygotes.

Submissions (4):

Labcorp Genetics (formerly Invitae), Labcorp
Classification: Uncertain significance for Brugada syndrome. Last evaluated: 2026-01-26. Review status: criteria provided, single submitter. Criteria: Invitae Variant Classification Sherloc (09022015). Collection method: clinical testing. Allele origin: germline.
Comment: This sequence change replaces arginine, which is basic and polar, with cysteine, which is neutral and slightly polar, at codon 1147 of the SCN10A protein (p.Arg1147Cys). This variant is present in population databases (rs373470651, gnomAD 0.01%). This variant has not been reported in the literature in individuals affected with SCN10A-related conditions. ClinVar contains an entry for this variant (Variation ID: 1507997). Invitae Evidence Modeling of protein sequence and biophysical properties (such as structural, functional, and spatial information, amino acid conservation, physicochemical variation, residue mobility, and thermodynamic stability) indicates that this missense variant is not expected to disrupt SCN10A protein function with a negative predictive value of 80%. In summary, the available evidence is currently insufficient to determine the role of this variant in disease. Therefore, it has been classified as a Variant of Uncertain Significance.

Ambry Genetics
Classification: Uncertain significance for Cardiovascular phenotype. Last evaluated: 2025-06-28. Review status: criteria provided, single submitter. Criteria: Ambry Variant Classification Scheme 2023. Collection method: clinical testing. Allele origin: germline.
Comment: The p.R1147C variant (also known as c.3439C>T), located in coding exon 19 of the SCN10A gene, results from a C to T substitution at nucleotide position 3439. The arginine at codon 1147 is replaced by cysteine, an amino acid with highly dissimilar properties. This amino acid position is conserved. In addition, the in silico prediction for this alteration is inconclusive. Since supporting evidence is limited at this time, the clinical significance of this alteration remains unclear.

GeneDx
Classification: Uncertain significance. Last evaluated: 2025-04-29. Review status: criteria provided, single submitter. Criteria: GeneDx Variant Classification Process June 2021. Collection method: clinical testing. Allele origin: germline. Affected: yes.
Comment: Has not been previously published as pathogenic or benign to our knowledge; In silico analysis supports that this missense variant has a deleterious effect on protein structure/function

Women's Health and Genetics/Laboratory Corporation of America, LabCorp
Classification: Uncertain significance. Last evaluated: 2024-07-02. Review status: criteria provided, single submitter. Criteria: LabCorp Variant Classification Summary - May 2015. Collection method: clinical testing. Allele origin: germline.
Comment: Variant summary: SCN10A c.3439C>T (p.Arg1147Cys) results in a non-conservative amino acid change in the encoded protein sequence. Five of five in-silico tools predict a damaging effect of the variant on protein function. The variant allele was found at a frequency of 2.4e-05 in 251450 control chromosomes (gnomAD). The available data on variant occurrences in the general population are insufficient to allow any conclusion about variant significance. To our knowledge, no occurrence of c.3439C>T in individuals affected with SCN10A-Related Disorders and no experimental evidence demonstrating its impact on protein function have been reported. ClinVar contains an entry for this variant (Variation ID: 1507997). Based on the evidence outlined above, the variant was classified as uncertain significance.